The following is an entry in ClinVar:

ClinVar aggregate classification (germline): Likely benign. Review status: criteria provided, multiple submitters, no conflicts (2 of 4 stars). 2 submissions from 2 submitters: Likely benign (2). Last evaluated 2018-11-25.

Conditions:
Cardiomyopathy (CMYO). Also called: Cardiomyopathies. Identifiers: Orphanet 167848, MedGen C0878544, MONDO:0004994, HP:0001638. Inheritance: Various modes of inheritance.

Allele frequency attached by ClinVar (database versions not stated): TOPMed 0.00001.

Submissions (2):

Color Diagnostics, LLC DBA Color Health
Classification: Likely benign for Cardiomyopathy. Last evaluated: 2018-11-25. Review status: criteria provided, single submitter. Criteria: ACMG Guidelines, 2015. Collection method: clinical testing. Allele origin: germline.

GeneDx
Classification: Likely benign. Last evaluated: 2017-09-21. Review status: criteria provided, single submitter. Criteria: GeneDx Variant Classification (06012015). Collection method: clinical testing. Allele origin: germline. Affected: yes.
Comment: This variant is considered likely benign or benign based on one or more of the following criteria: it is a conservative change, it occurs at a poorly conserved position in the protein, it is predicted to be benign by multiple in silico algorithms, and/or has population frequency not consistent with disease.

NC_000015.10:g.63071166C>T

Gene: TPM1 (tropomyosin 1; plus strand). Cytogenetic location: 15q22.2.
Variant type: single nucleotide variant.
Molecular consequence: synonymous variant (on NM_001018004.2). On other transcripts: 3 prime UTR variant (7), non-coding transcript variant (12).
Genome position: GRCh38 VCF-style: chr15-63071166-C-T. GRCh37 (hg19) VCF-style: chr15-63363365-C-T.
Other names: c.849C>T, p.Asn283= (NM_001018004.2, NM_001018006.2, NM_001018007.2 and 1 more transcripts); c.*1223C>T (NM_001018008.2, NM_001330351.2, NM_001365776.1 and 3 more transcripts); c.741C>T, p.Asn247= (NM_001301289.2, NM_001330344.2); c.975C>T, p.Asn325= (NM_001365778.1); c.*43C>T (NM_001407326.1).
Identifiers: ClinVar variation 384023 (VCV000384023.4), dbSNP rs1057521824, ClinGen allele CA16607827.